The following is an entry in ClinVar:

ClinVar aggregate classification (germline): Conflicting classifications of pathogenicity. Review status: criteria provided, conflicting classifications (1 of 4 stars). 7 submissions from 7 submitters: Uncertain significance (6); Likely benign (1). Last evaluated 2026-08-01.

Conditions:
Cardiovascular phenotype. Identifiers: MedGen CN230736.
Ehlers-Danlos syndrome (EDS). Identifiers: Orphanet 98249, MedGen C0013720, MONDO:0020066.

Allele frequency attached by ClinVar (database versions not stated): gnomAD 0.00003; TOPMed 0.00005; ExAC 0.00007; gnomAD exomes 0.00007.
gnomAD v4.1: 130 of 1,549,934 alleles (0.0084%); highest among the groups gnomAD compares: Middle Eastern, 0.017%; no homozygotes.

Submissions (7):

CeGaT Center for Human Genetics Tuebingen
Classification: Uncertain significance. Last evaluated: 2026-08-01. Review status: criteria provided, single submitter. Criteria: CeGaT Center For Human Genetics Tuebingen Variant Classification Criteria Version 2. Collection method: clinical testing. Allele origin: germline. Affected: yes. Observed: 2 variant alleles.
Comment: ZNF469: PM2

Women's Health and Genetics/Laboratory Corporation of America, LabCorp
Classification: Uncertain significance. Last evaluated: 2026-04-17. Review status: criteria provided, single submitter. Criteria: LabCorp Variant Classification Summary - May 2015. Collection method: clinical testing. Allele origin: germline.
Comment: Variant summary: ZNF469 c.11278G>A (p.Glu3760Lys) results in a conservative amino acid change in the encoded protein sequence. Algorithms developed to predict the effect of missense changes on protein structure and function are either unavailable or do not agree on the potential impact of this missense change. The variant allele was found at a frequency of 6.7e-05 in 149898 control chromosomes. This frequency is not significantly higher than estimated for disease-causing variants in ZNF469, allowing no conclusion about variant significance. To our knowledge, no occurrence of c.11278G>A in individuals affected with ZNF469-related conditions and no experimental evidence demonstrating its impact on protein function have been reported. ClinVar contains an entry for this variant (Variation ID: 283581). Based on the evidence outlined above, the variant was classified as uncertain significance.

Blueprint Genetics
Classification: Uncertain significance. Last evaluated: 2024-10-16. Review status: criteria provided, single submitter. Criteria: ACMG Guidelines, 2015. Collection method: clinical testing. Allele origin: germline.

Ambry Genetics
Classification: Likely benign for Cardiovascular phenotype. Last evaluated: 2024-10-11. Review status: criteria provided, single submitter. Criteria: Ambry Variant Classification Scheme 2023. Collection method: clinical testing. Allele origin: germline.

Labcorp Genetics (formerly Invitae), Labcorp
Classification: Uncertain significance. Last evaluated: 2022-10-31. Review status: criteria provided, single submitter. Criteria: Invitae Variant Classification Sherloc (09022015). Collection method: clinical testing. Allele origin: germline.
Comment: This sequence change replaces glutamic acid, which is acidic and polar, with lysine, which is basic and polar, at codon 3732 of the ZNF469 protein (p.Glu3732Lys). This variant is present in population databases (rs547014159, gnomAD 0.01%). This variant has not been reported in the literature in individuals affected with ZNF469-related conditions. ClinVar contains an entry for this variant (Variation ID: 283581). Algorithms developed to predict the effect of missense changes on protein structure and function are either unavailable or do not agree on the potential impact of this missense change (SIFT: "Deleterious"; PolyPhen-2: "Probably Damaging"; Align-GVGD: "Class C0"). In summary, the available evidence is currently insufficient to determine the role of this variant in disease. Therefore, it has been classified as a Variant of Uncertain Significance.

Genome Diagnostics Laboratory, The Hospital for Sick Children
Classification: Uncertain significance for Ehlers-Danlos syndrome. Last evaluated: 2020-02-01. Review status: criteria provided, single submitter. Criteria: ACMG Guidelines, 2015. Collection method: clinical testing. Allele origin: germline.

Eurofins Ntd Llc (ga)
Classification: Uncertain significance. Last evaluated: 2015-10-08. Review status: criteria provided, single submitter. Criteria: EGL Classification Definitions 2015. Collection method: clinical testing. Allele origin: germline. Observed: 1 variant allele, 1 heterozygote.

NM_001367624.2(ZNF469):c.11278G>A (p.Glu3760Lys)

Gene: ZNF469 (zinc finger protein 469; plus strand). Cytogenetic location: 16q24.2.
Variant type: single nucleotide variant.
Coding change: c.11278G>A on transcript NM_001367624.2 (MANE Select); coding-DNA position 11278, G replaced by A.
Protein change: p.Glu3760Lys; replaces glutamic acid 3760 with lysine.
Molecular consequence: missense variant.
Genome position (GRCh38, 1-based): chr16:88,438,748, G>A. VCF-style: chr16-88438748-G-A. GRCh37 (hg19) VCF-style: chr16-88505156-G-A.
Other names: NM_001127464.2:c.11194G>A; NM_001127464.1:c.11194G>A; short protein forms E3760K.
Identifiers: ClinVar variation 283581 (VCV000283581.41), dbSNP rs547014159, ClinGen allele CA8225596.
Genomic context (GRCh38, chr16:88,438,748, plus strand): 5'-CCCGGCACCAAGACAGGAGGTGGCAGCCAGCCCCAGCCAGCCAGCGGGCAGCTCCAGAGC[G>A]AGACAGCCACCACCCCAGCCAAGCCCAGCTTCCCCAGCCGGAGCCCTGCACCAGAGAGGC-3'
Protein context (NP_001354553.1, residues 3750-3770): PQPASGQLQS[Glu3760Lys]TATTPAKPSF